The following is an entry in ClinVar:

ClinVar aggregate classification (germline): Likely pathogenic. Review status: criteria provided, single submitter (1 of 4 stars). 2 submissions from 2 submitters: Likely pathogenic (1). 1 of the submissions does not count toward it. Last evaluated 2022-03-02.

Conditions:
Metachromatic leukodystrophy (MLD). Also called: Cerebral sclerosis diffuse metachromatic form; Arylsulfatase A Deficiency; SULFATIDE LIPIDOSIS; CEREBROSIDE SULFATASE DEFICIENCY; METACHROMATIC LEUKOENCEPHALOPATHY; ARSA DEFICIENCY. Identifiers: Orphanet 512, MedGen C0023522, MONDO:0018868, OMIM 250100.

Submissions (2):

Women's Health and Genetics/Laboratory Corporation of America, LabCorp
Classification: Likely pathogenic for Metachromatic leukodystrophy. Last evaluated: 2022-03-02. Review status: criteria provided, single submitter. Criteria: LabCorp Variant Classification Summary - May 2015. Collection method: clinical testing. Allele origin: germline.
Comment: Variant summary: ARSA c.1210+1G>T alters a conserved nucleotide located in a canonical splice-site and is predicted to affect mRNA splicing resulting in a significantly altered protein due to either exon skipping, shortening, or inclusion of intronic material. Several computational tools predict a significant impact on normal splicing: Four predict the variant abolishes the canonical 5' splicing donor site. Four predict the variant creates an alternate adjacent 5' splice donor site that would result in a frameshifting consequence. However, these predictions have yet to be confirmed by functional studies. The variant allele was found at a frequency of 4e-06 in 250804 control chromosomes. c.1210+1G>T has been reported in the literature as a likely pathogenic consequence in at-least one individual undergoing carrier screening (example, Singh_2020), but to our knowledge, no occurrence of this variant in individuals affected with Metachromatic Leukodystrophy has been reported. These report(s) do not provide unequivocal conclusions about association of the variant with Metachromatic Leukodystrophy. To our knowledge, no experimental evidence demonstrating an impact on protein function has been reported. One clinical diagnostic laboratory has submitted clinical-significance assessments for this variant to ClinVar after 2014 without evidence for independent evaluation and classified the variant as likely pathogenic. Based on the evidence outlined above, the variant was classified as likely pathogenic.

Counsyl
Classification: Likely pathogenic for Metachromatic leukodystrophy. Last evaluated: 2016-04-21. Review status: no assertion criteria provided. Collection method: clinical testing. Allele origin: unknown. Not counted in ClinVar's aggregate classification.

Literature cited by the submitters: PubMed 33138774 (cited by Women's Health and Genetics/Laboratory Corporation of America, LabCorp).

NM_000487.6(ARSA):c.1210+1G>T

Gene: ARSA (arylsulfatase A; minus strand). Cytogenetic location: 22q13.33.
Variant type: single nucleotide variant.
Coding change: c.1210+1G>T on transcript NM_000487.6 (MANE Select); the canonical splice donor site of the intron after coding-DNA position 1210, G replaced by T.
Molecular consequence: splice donor variant.
Genome position (GRCh38, 1-based): chr22:50,625,578, C>A on the plus strand (G>T on the coding strand, the complement: ARSA is on the minus strand). VCF-style: chr22-50625578-C-A. GRCh37 (hg19) VCF-style: chr22-51064006-C-A.
Other names: c.952+1G>T (NM_001362782.2, NM_001085428.3); c.1210+1G>T (NM_001085426.3, NM_001085427.3, NM_001085425.3).
Identifiers: ClinVar variation 370834 (VCV000370834.4), dbSNP rs80338820, ClinGen allele CA16042034.
Genomic context (GRCh38, chr22:50,625,578, plus strand): 5'-GATCTAGGGCTCCGGGGAGGGGTCAGCAGGTCGGGGGGAGGGATCCACGGGGAGGGGTTA[C>A]CCTGGGTGAAGAAGTGAGCCTTGTACTTTCCAGTCCGCACAGCAAAAACCCCACGGACCT-3'